The following is an entry in ClinVar:

ClinVar aggregate classification (germline): Uncertain significance (1 of 4 stars; one submission).

Submission:

Labcorp Genetics (formerly Invitae), Labcorp
Classification: Uncertain significance. Last evaluated: 2020-07-27. Review status: criteria provided, single submitter. Criteria: Invitae Variant Classification Sherloc (09022015). Collection method: clinical testing. Allele origin: germline.
Comment: This sequence change falls in intron 15 of the CTNNA1 gene. It does not directly change the encoded amino acid sequence of the CTNNA1 protein, but it affects a nucleotide within the consensus splice site of the intron. This variant is not present in population databases (ExAC no frequency). This variant has not been reported in the literature in individuals with CTNNA1-related conditions. Nucleotide substitutions within the consensus splice site are a relatively common cause of aberrant splicing (PMID: 17576681, 9536098). Algorithms developed to predict the effect of sequence changes on RNA splicing suggest that this variant may disrupt the consensus splice site, but this prediction has not been confirmed by published transcriptional studies. In summary, the available evidence is currently insufficient to determine the role of this variant in disease. Therefore, it has been classified as a Variant of Uncertain Significance.

Literature cited by the submitters: PubMed 17576681; PubMed 9536098.

NM_001903.5(CTNNA1):c.2192+4A>G

Gene: CTNNA1 (catenin alpha 1; plus strand). Cytogenetic location: 5q31.2.
Variant type: single nucleotide variant.
Coding change: c.2192+4A>G on transcript NM_001903.5 (MANE Select); 4 bases into the intron after coding-DNA position 2192, A replaced by G.
Molecular consequence: intron variant.
Genome position (GRCh38, 1-based): chr5:138,930,658, A>G. VCF-style: chr5-138930658-A-G. GRCh37 (hg19) VCF-style: chr5-138266347-A-G.
Other names: c.2192+4A>G (NM_001323982.2, NM_001323984.2, NM_001290307.3 and 2 more transcripts); c.2099+4A>G (NM_001323986.2); c.1823+4A>G (NM_001290310.3); c.1883+4A>G (NM_001290309.3); c.1082+4A>G (NM_001323996.1, NM_001323993.1, NM_001324005.1 and 17 more transcripts); c.743+4A>G (NM_001324007.1, NM_001324009.1, NM_001324006.1 and 2 more transcripts); c.839+4A>G (NM_001324013.1, NM_001324012.1); c.989+4A>G (NM_001324011.1).
Identifiers: ClinVar variation 1012138 (VCV001012138.6), dbSNP rs372515193, ClinGen allele CA1586087924.